The following is an entry in ClinVar:

NM_001171.6(ABCC6):c.4403+1G>C

Genes: ABCC6 (ATP binding cassette subfamily C member 6; minus strand), LOC125146421 (Sharpr-MPRA regulatory region 15590; plus strand). Cytogenetic location: 16p13.11.
Variant type: single nucleotide variant.
Coding change: c.4403+1G>C on transcript NM_001171.6 (MANE Select); the canonical splice donor site of the intron after coding-DNA position 4403, G replaced by C.
Molecular consequence: splice donor variant.
Genome position (GRCh38, 1-based): chr16:16,150,577, C>G on the plus strand (G>C on the coding strand, the complement: ABCC6 is on the minus strand). VCF-style: chr16-16150577-C-G. GRCh37 (hg19) VCF-style: chr16-16244434-C-G.
Other names: c.4061+1G>C (NM_001351800.1).
Identifiers: ClinVar variation 1363795 (VCV001363795.8), dbSNP rs1006994885, ClinGen allele CA278675240.

ClinVar aggregate classification (germline): Uncertain significance (1 of 4 stars; one submission).

Allele frequency attached by ClinVar (database versions not stated): gnomAD exomes below 0.00001.
gnomAD v4.1: 1 of 1,607,740 alleles (0.000062%); highest among the groups gnomAD compares: Non-Finnish European, 0.000085%; no homozygotes.

Submission:

Labcorp Genetics (formerly Invitae), Labcorp
Classification: Uncertain significance. Last evaluated: 2022-09-09. Review status: criteria provided, single submitter. Criteria: Invitae Variant Classification Sherloc (09022015). Collection method: clinical testing. Allele origin: germline.
Comment: This variant is not present in population databases (gnomAD no frequency). In summary, the available evidence is currently insufficient to determine the role of this variant in disease. Therefore, it has been classified as a Variant of Uncertain Significance. This variant disrupts the C-terminus of the ABCC6 protein. Other variant(s) that disrupt this region (p.K1490X) have been observed in individuals with ABCC6-related conditions (PMID: 21179111). This suggests that this may be a clinically significant region of the protein. Variants that disrupt the consensus splice site are a relatively common cause of aberrant splicing (PMID: 17576681, 9536098). Algorithms developed to predict the effect of sequence changes on RNA splicing suggest that this variant may disrupt the consensus splice site. ClinVar contains an entry for this variant (Variation ID: 1363795). This variant has not been reported in the literature in individuals affected with ABCC6-related conditions. This sequence change affects a donor splice site in intron 30 of the ABCC6 gene. While this variant is not anticipated to result in nonsense mediated decay, it likely alters RNA splicing and results in a disrupted protein product.

Literature cited by the submitters: PubMed 21179111; PubMed 17576681; PubMed 9536098.